The following is an entry in ClinVar:

ClinVar aggregate classification (germline): Pathogenic (1 of 4 stars; one submission).

Conditions:
Long QT syndrome (LQTS). Identifiers: MedGen C0023976, MeSH D008133, MONDO:0002442. Disease mechanism: loss of function. Inheritance: Various modes of inheritance.

Submission:

Labcorp Genetics (formerly Invitae), Labcorp
Classification: Pathogenic for Long QT syndrome. Last evaluated: 2024-01-21. Review status: criteria provided, single submitter. Criteria: Invitae Variant Classification Sherloc (09022015). Collection method: clinical testing. Allele origin: unknown.
Comment: A gross deletion of the genomic region encompassing the full coding sequence of the CAV3 gene has been identified. Loss-of-function variants in CAV3 are known to be pathogenic (PMID: 18487559). The boundaries of this event are unknown as they extend beyond the assayed region for this gene and therefore may encompass additional genes. This variant has not been reported in the literature in individuals affected with CAV3-related conditions. For these reasons, this variant has been classified as Pathogenic.

Literature cited by the submitters: PubMed 18487559.

NC_000003.11:g.(?_8775563)_(8787553_?)del

Gene: CAV3 (caveolin 3; plus strand). Cytogenetic location: 3p25.3.
Variant type: Deletion.
Identifiers: ClinVar variation 3246841 (VCV003246841.1).